The following is an entry in ClinVar:

ClinVar aggregate classification (germline): Uncertain significance (1 of 4 stars; one submission).

Conditions:
Hereditary nonpolyposis colorectal neoplasms. Identifiers: MedGen C0009405, MeSH D003123.

Submission:

Labcorp Genetics (formerly Invitae), Labcorp
Classification: Uncertain significance for Hereditary nonpolyposis colorectal neoplasms. Last evaluated: 2023-11-17. Review status: criteria provided, single submitter. Criteria: Invitae Variant Classification Sherloc (09022015). Collection method: clinical testing. Allele origin: germline.
Comment: This sequence change replaces leucine, which is neutral and non-polar, with valine, which is neutral and non-polar, at codon 454 of the PMS2 protein (p.Leu454Val). This variant is not present in population databases (gnomAD no frequency). This variant has not been reported in the literature in individuals affected with PMS2-related conditions. This variant is also known as c.787C>G L263V. Advanced modeling of protein sequence and biophysical properties (such as structural, functional, and spatial information, amino acid conservation, physicochemical variation, residue mobility, and thermodynamic stability) performed at Invitae indicates that this missense variant is not expected to disrupt PMS2 protein function with a negative predictive value of 80%. In summary, the available evidence is currently insufficient to determine the role of this variant in disease. Therefore, it has been classified as a Variant of Uncertain Significance.

NM_000535.7(PMS2):c.1360C>G (p.Leu454Val)

Gene: PMS2 (PMS1 homolog 2, mismatch repair system component; minus strand). Cytogenetic location: 7p22.1.
Variant type: single nucleotide variant.
Coding change: c.1360C>G on transcript NM_000535.7 (MANE Select); coding-DNA position 1360, C replaced by G.
Protein change: p.Leu454Val; replaces leucine 454 with valine.
Molecular consequence: missense variant. On other transcripts: non-coding transcript variant (1), intron variant (1).
Genome position (GRCh38, 1-based): chr7:5,987,405, G>C on the plus strand (C>G on the coding strand, the complement: PMS2 is on the minus strand). VCF-style: chr7-5987405-G-C. GRCh37 (hg19) VCF-style: chr7-6027036-G-C.
Other names: c.1204C>G, p.Leu402Val (NM_001406870.1, NM_001322006.2); c.1360C>G, p.Leu454Val (NM_001406871.1, NM_001406872.1, NM_001322014.2); c.1162C>G, p.Leu388Val (NM_001406873.1); c.1192C>G, p.Leu398Val (NM_001406874.1); c.1051C>G, p.Leu351Val (NM_001406875.1, NM_001406877.1, NM_001406878.1 and 5 more transcripts); c.1042C>G, p.Leu348Val (NM_001406876.1, NM_001406883.1, NM_001406903.1 and 2 more transcripts); c.955C>G, p.Leu319Val (NM_001406889.1, NM_001406890.1, NM_001406891.1 and 17 more transcripts); c.799C>G, p.Leu267Val (NM_001322010.2, NM_001406906.1, NM_001406907.1); and 13 more; short protein forms L197V, L296V, L402V, L516V, L263V, L319V, L332V, L348V.
Identifiers: ClinVar variation 2994937 (VCV002994937.3), dbSNP rs1338448094, ClinGen allele CA366742252.
Genomic context (GRCh38, chr7:5,987,405, plus strand): 5'-CCTCTTTCTGAGGTCTCAGGACGCCTTTGTCAGAGATGGCACCTGAAGTGCTAGAAGACA[G>C]CATACCCCTTTTCTGTCCTAGAGGGCTCCTTCTTGGTTCTGGAGTCTTTGGGCTGTGAGG-3'
Protein context (NP_000526.2, residues 444-464): RSPLGQKRGM[Leu454Val]SSSTSGAISD